The following is an entry in ClinVar:

ClinVar aggregate classification (germline): Benign/Likely benign. Review status: criteria provided, multiple submitters, no conflicts (2 of 4 stars). 4 submissions from 4 submitters: Benign (2); Likely benign (2). Last evaluated 2026-01-31.

Allele frequency attached by ClinVar (database versions not stated): gnomAD exomes 0.00020 and 0.00054; ExAC 0.00067; gnomAD 0.00198 and 0.00212; 1000 Genomes Project 0.00240; TOPMed 0.00251; ESP Exome Variant Server 0.00269; 1000 Genomes Project 30x 0.00281.
gnomAD v4.1: 602 of 1,609,918 alleles (0.037%); highest among the groups gnomAD compares: African/African-American, 0.74%; 2 homozygotes.

Submissions (4):

Labcorp Genetics (formerly Invitae), Labcorp
Classification: Benign. Last evaluated: 2026-01-31. Review status: criteria provided, single submitter. Criteria: Invitae Variant Classification Sherloc (09022015). Collection method: clinical testing. Allele origin: germline.

Mayo Clinic Laboratories, Mayo Clinic
Classification: Likely benign. Last evaluated: 2025-10-16. Review status: criteria provided, single submitter. Criteria: ACMG Guidelines, 2015. Collection method: clinical testing. Allele origin: germline. Observed: 1 variant allele.
Comment: BS1, BP4

Blueprint Genetics
Classification: Likely benign. Last evaluated: 2024-01-23. Review status: criteria provided, single submitter. Criteria: ACMG Guidelines, 2015. Collection method: clinical testing. Allele origin: germline.

Breakthrough Genomics
Classification: Benign. Review status: criteria provided, single submitter. Criteria: ACMG Guidelines, 2015. Collection method: not provided. Allele origin: germline. Inheritance: Autosomal recessive inheritance. Affected: yes.

NM_000574.5(CD55):c.997G>A (p.Val333Ile)

Gene: CD55 (CD55 molecule (Cromer blood group); plus strand). Cytogenetic location: 1q32.2.
Variant type: single nucleotide variant.
Coding change: c.997G>A on transcript NM_000574.5 (MANE Select); coding-DNA position 997, G replaced by A.
Protein change: p.Val333Ile; replaces valine 333 with isoleucine.
Molecular consequence: missense variant. On other transcripts: non-coding transcript variant (1).
Genome position (GRCh38, 1-based): chr1:207,337,346, G>A. VCF-style: chr1-207337346-G-A. GRCh37 (hg19) VCF-style: chr1-207510691-G-A.
Other names: p.Val333Ile; c.997G>A, p.Val333Ile (NM_001114752.3, NM_001300902.2, NM_001300903.2 and 1 more transcripts); short protein forms V333I.
Identifiers: ClinVar variation 1598556 (VCV001598556.11), dbSNP rs116473488, ClinGen allele CA1368166.
Genomic context (GRCh38, chr1:207,337,346, plus strand): 5'-GGTCTCAAGAGTACACAAAGATTCCCTTCTGCTCATATTACAGCAACACGGAGTACACCT[G>A]TTTCCAGGACAACCAAGCATTTTCATGAAACAACCCCAAATAAAGGAAGTGGAACCACTT-3'
Protein context (NP_000565.1, residues 323-343): PNAQATRSTP[Val333Ile]SRTTKHFHET